The following is an entry in ClinVar:

NM_032436.4(CHAMP1):c.484G>T (p.Val162Phe)

Gene: CHAMP1 (chromosome alignment maintaining phosphoprotein 1; plus strand). Cytogenetic location: 13q34.
Variant type: single nucleotide variant.
Coding change: c.484G>T on transcript NM_032436.4 (MANE Select); coding-DNA position 484, G replaced by T.
Protein change: p.Val162Phe; replaces valine 162 with phenylalanine.
Molecular consequence: missense variant.
Genome position (GRCh38, 1-based): chr13:114,324,326, G>T. VCF-style: chr13-114324326-G-T. GRCh37 (hg19) VCF-style: chr13-115089801-G-T.
Other names: c.484G>T (NM_001164145.2); c.484G>T, p.Val162Phe (NM_001164144.3, NM_001164145.3); short protein forms V162F.
Identifiers: ClinVar variation 2237265 (VCV002237265.26), dbSNP rs1007989539, ClinGen allele CA257300629.

ClinVar aggregate classification (germline): Likely benign. Review status: criteria provided, multiple submitters, no conflicts (2 of 4 stars). 3 submissions from 3 submitters: Likely benign (2). 1 of the submissions does not count toward it. Last evaluated 2024-11-01.

Conditions:
CHAMP1-related disorder. Also called: CHAMP1-related condition.
Inborn genetic diseases. Identifiers: MedGen C0950123, MeSH D030342.

Allele frequency attached by ClinVar (database versions not stated): gnomAD 0.00002; gnomAD exomes 0.00002.
gnomAD v4.1: 36 of 1,613,922 alleles (0.0022%); highest among the groups gnomAD compares: Non-Finnish European, 0.0029%; no homozygotes.

Submissions (3):

CeGaT Center for Human Genetics Tuebingen
Classification: Likely benign. Last evaluated: 2024-11-01. Review status: criteria provided, single submitter. Criteria: CeGaT Center For Human Genetics Tuebingen Variant Classification Criteria Version 2. Collection method: clinical testing. Allele origin: germline. Affected: yes. Observed: 1 variant allele.
Comment: CHAMP1: BP4

Ambry Genetics
Classification: Likely benign for Inborn genetic diseases. Last evaluated: 2022-08-08. Review status: criteria provided, single submitter. Criteria: Ambry Variant Classification Scheme 2023. Collection method: clinical testing. Allele origin: germline.

PreventionGenetics, part of Exact Sciences
Classification: Likely benign for CHAMP1-related condition. Last evaluated: 2024-07-03. Review status: no assertion criteria provided. Collection method: clinical testing. Allele origin: germline. Not counted in ClinVar's aggregate classification.
Comment: This variant is classified as likely benign based on ACMG/AMP sequence variant interpretation guidelines (Richards et al. 2015 PMID: 25741868, with internal and published modifications).